The following is an entry in ClinVar:

ClinVar aggregate classification (germline): Uncertain significance. Review status: criteria provided, multiple submitters, no conflicts (2 of 4 stars). 3 submissions from 3 submitters: Uncertain significance (3). Last evaluated 2026-01-29.

Conditions:
Catecholaminergic polymorphic ventricular tachycardia (CVPT). Also called: Catecholamine-induced polymorphic ventricular tachycardia. Identifiers: Orphanet 3286, MedGen C5574922, MONDO:0017990.
Cardiomyopathy (CMYO). Also called: Cardiomyopathies. Identifiers: Orphanet 167848, MedGen C0878544, MONDO:0004994, HP:0001638. Inheritance: Various modes of inheritance.
Catecholaminergic polymorphic ventricular tachycardia 1. Also called: VENTRICULAR TACHYCARDIA, CATECHOLAMINERGIC POLYMORPHIC, 1, WITH OR WITHOUT ATRIAL DYSFUNCTION AND/OR DILATED CARDIOMYOPATHY; RYR2-Related Catecholaminergic Polymorphic Ventricular Tachycardia; VENTRICULAR TACHYCARDIA, STRESS-INDUCED POLYMORPHIC 1. Identifiers: Orphanet 3286, MedGen C1631597, MONDO:0011484, OMIM 604772.

Allele frequency attached by ClinVar (database versions not stated): TOPMed below 0.00001; gnomAD exomes 0.00001; ExAC 0.00002.
gnomAD v4.1: 5 of 1,613,098 alleles (0.00031%); highest among the groups gnomAD compares: Admixed American, 0.0083%; no homozygotes.

Submissions (3):

Labcorp Genetics (formerly Invitae), Labcorp
Classification: Uncertain significance for Catecholaminergic polymorphic ventricular tachycardia 1. Last evaluated: 2026-01-29. Review status: criteria provided, single submitter. Criteria: Invitae Variant Classification Sherloc (09022015). Collection method: clinical testing. Allele origin: germline.
Comment: This sequence change replaces serine, which is neutral and polar, with alanine, which is neutral and non-polar, at codon 138 of the RYR2 protein (p.Ser138Ala). This variant is present in population databases (rs765875891, gnomAD 0.009%). This variant has not been reported in the literature in individuals affected with RYR2-related conditions. ClinVar contains an entry for this variant (Variation ID: 920066). Invitae Evidence Modeling of protein sequence and biophysical properties (such as structural, functional, and spatial information, amino acid conservation, physicochemical variation, residue mobility, and thermodynamic stability) has been performed for this missense variant. However, the output from this modeling did not meet the statistical confidence thresholds required to predict the impact of this variant on RYR2 protein function. In summary, the available evidence is currently insufficient to determine the role of this variant in disease. Therefore, it has been classified as a Variant of Uncertain Significance.

All of Us Research Program, National Institutes of Health
Classification: Uncertain significance for Catecholaminergic polymorphic ventricular tachycardia. Last evaluated: 2024-03-24. Review status: criteria provided, single submitter. Criteria: ACMG Guidelines, 2015. Collection method: clinical testing. Allele origin: germline. Inheritance: Autosomal dominant inheritance. Observed: 1 variant allele, 1 heterozygote.
Comment: This missense variant replaces serine with alanine at codon 138 of the RYR2 protein. Computational prediction is inconclusive regarding the impact of this variant on protein structure and function (internally defined REVEL score threshold 0.5 < inconclusive < 0.7, PMID: 27666373). Splice site prediction tools suggest that this variant may not impact RNA splicing. To our knowledge, functional studies have not been performed for this variant. This variant has not been reported in individuals affected with cardiovascular disorders in the literature. This variant has been identified in 3/247924 chromosomes in the general population by the Genome Aggregation Database (gnomAD). The available evidence is insufficient to determine the role of this variant in disease conclusively. Therefore, this variant is classified as a Variant of Uncertain Significance.

This study involves interpretation of variants in research participants for the purpose of population health screening. Participant phenotype was not available at the time of variant classification. Additional details can be found in publication PMID: 35346344, PMCID: PMC8962531

Color Diagnostics, LLC DBA Color Health
Classification: Uncertain significance for Cardiomyopathy. Last evaluated: 2024-03-06. Review status: criteria provided, single submitter. Criteria: ACMG Guidelines, 2015. Collection method: clinical testing. Allele origin: germline.
Comment: This missense variant replaces serine with alanine at codon 138 of the RYR2 protein. Computational prediction is inconclusive regarding the impact of this variant on protein structure and function (internally defined REVEL score threshold 0.5 < inconclusive < 0.7, PMID: 27666373). Splice site prediction tools suggest that this variant may not impact RNA splicing. To our knowledge, functional studies have not been performed for this variant. This variant has not been reported in individuals affected with cardiovascular disorders in the literature. This variant has been identified in 3/247924 chromosomes in the general population by the Genome Aggregation Database (gnomAD). The available evidence is insufficient to determine the role of this variant in disease conclusively. Therefore, this variant is classified as a Variant of Uncertain Significance.

NM_001035.3(RYR2):c.412T>G (p.Ser138Ala)

Gene: RYR2 (ryanodine receptor 2; plus strand). Cytogenetic location: 1q43.
Variant type: single nucleotide variant.
Coding change: c.412T>G on transcript NM_001035.3 (MANE Select); coding-DNA position 412, T replaced by G.
Protein change: p.Ser138Ala; replaces serine 138 with alanine.
Molecular consequence: missense variant.
Genome position (GRCh38, 1-based): chr1:237,374,744, T>G. VCF-style: chr1-237374744-T-G. GRCh37 (hg19) VCF-style: chr1-237538044-T-G.
Other names: short protein forms S138A.
Identifiers: ClinVar variation 920066 (VCV000920066.8), dbSNP rs765875891, ClinGen allele CA086536.